The following is an entry in ClinVar:

ClinVar aggregate classification (germline): Uncertain significance (1 of 4 stars; one submission).

Conditions:
Charcot-Marie-Tooth disease axonal type 2O. Also called: Charcot-Marie-Tooth disease, axonal, type 20; CHARCOT-MARIE-TOOTH NEUROPATHY, AXONAL, TYPE 2O; CHARCOT-MARIE-TOOTH DISEASE, AXONAL, AUTOSOMAL DOMINANT, TYPE 2O; Charcot-Marie-Tooth Neuropathy Type 2O. Identifiers: Orphanet 284232, MedGen C3280220, MONDO:0013644, OMIM 614228.

Submission:

Labcorp Genetics (formerly Invitae), Labcorp
Classification: Uncertain significance for Charcot-Marie-Tooth disease axonal type 2O. Last evaluated: 2023-01-17. Review status: criteria provided, single submitter. Criteria: Invitae Variant Classification Sherloc (09022015). Collection method: clinical testing. Allele origin: germline.
Comment: This sequence change falls in intron 5 of the DYNC1H1 gene. It does not directly change the encoded amino acid sequence of the DYNC1H1 protein. This variant is not present in population databases (gnomAD no frequency). This variant has not been reported in the literature in individuals affected with DYNC1H1-related conditions. Algorithms developed to predict the effect of sequence changes on RNA splicing suggest that this variant may create or strengthen a splice site. In summary, the available evidence is currently insufficient to determine the role of this variant in disease. Therefore, it has been classified as a Variant of Uncertain Significance.

NM_001376.5(DYNC1H1):c.961+10A>G

Gene: DYNC1H1 (dynein cytoplasmic 1 heavy chain 1; plus strand). Cytogenetic location: 14q32.31.
Variant type: single nucleotide variant.
Coding change: c.961+10A>G on transcript NM_001376.5 (MANE Select); 10 bases into the intron after coding-DNA position 961, A replaced by G.
Molecular consequence: intron variant.
Genome position (GRCh38, 1-based): chr14:101,980,560, A>G. VCF-style: chr14-101980560-A-G. GRCh37 (hg19) VCF-style: chr14-102446897-A-G.
Identifiers: ClinVar variation 2730656 (VCV002730656.3), dbSNP rs2047851797, ClinGen allele CA2159590794.